The following is an entry in ClinVar:

ClinVar aggregate classification (germline): Pathogenic. Review status: criteria provided, multiple submitters, no conflicts (2 of 4 stars). 2 submissions from 2 submitters: Pathogenic (2). Last evaluated 2023-06-23.

Conditions:
Intellectual developmental disorder, autosomal dominant 57. Also called: MENTAL RETARDATION, AUTOSOMAL DOMINANT 57; Intellectual disability, autosomal dominant 57. Identifiers: MedGen C4748003, MONDO:0054837, OMIM 618050.

Submissions (2):

GeneDx
Classification: Pathogenic. Last evaluated: 2023-06-23. Review status: criteria provided, single submitter. Criteria: GeneDx Variant Classification Process June 2021. Collection method: clinical testing. Allele origin: germline. Affected: yes.
Comment: Nonsense variant predicted to result in protein truncation or nonsense mediated decay in a gene for which loss of function is a known mechanism of disease; Has not been previously published as pathogenic or benign to our knowledge; Not observed at significant frequency in large population cohorts (gnomAD); This variant is associated with the following publications: (PMID: 29861108)

Labcorp Genetics (formerly Invitae), Labcorp
Classification: Pathogenic. Last evaluated: 2019-08-17. Review status: criteria provided, single submitter. Criteria: Invitae Variant Classification Sherloc (09022015). Collection method: clinical testing. Allele origin: germline.
Comment: For these reasons, this variant has been classified as Pathogenic. Loss-of-function variants in TLK2 are known to be pathogenic (PMID: 29861108). This variant has not been reported in the literature in individuals with TLK2-related conditions. This variant is not present in population databases (ExAC no frequency). This sequence change creates a premature translational stop signal (p.Arg123*) in the TLK2 gene. It is expected to result in an absent or disrupted protein product.

Literature cited by the submitters: PubMed 29861108 (cited by Labcorp Genetics (formerly Invitae), Labcorp).

NM_006852.6(TLK2):c.367C>T (p.Arg123Ter)

Gene: TLK2 (tousled like kinase 2; plus strand). Cytogenetic location: 17q23.2.
Variant type: single nucleotide variant.
Coding change: c.367C>T on transcript NM_006852.6 (MANE Select); coding-DNA position 367, C replaced by T.
Protein change: p.Arg123Ter; replaces arginine 123 with a stop codon.
Molecular consequence: nonsense. On other transcripts: 5 prime UTR variant (2).
Genome position (GRCh38, 1-based): chr17:62,536,173, C>T. VCF-style: chr17-62536173-C-T. GRCh37 (hg19) VCF-style: chr17-60613534-C-T.
Other names: c.367C>T, p.Arg123Ter (NM_001284333.3, NM_001375270.1, NM_001375271.1); c.271C>T, p.Arg91Ter (NM_001284363.1, NM_001375272.1); c.-81C>T (NM_001330418.3, NM_001375273.1); c.409C>T, p.Arg137Ter (NM_001375269.1); short protein forms R91*, R123*, R137*.
Identifiers: ClinVar variation 816982 (VCV000816982.13), dbSNP rs758726258, ClinGen allele CA400517248.